The following is an entry in ClinVar:

NM_003906.5(MCM3AP):c.507C>A (p.Ser169Arg)

Gene: MCM3AP (minichromosome maintenance complex component 3 associated protein; minus strand). Cytogenetic location: 21q22.3.
Variant type: single nucleotide variant.
Coding change: c.507C>A on transcript NM_003906.5 (MANE Select); coding-DNA position 507, C replaced by A.
Protein change: p.Ser169Arg; replaces serine 169 with arginine.
Molecular consequence: missense variant.
Genome position (GRCh38, 1-based): chr21:46,284,780, G>T on the plus strand (C>A on the coding strand, the complement: MCM3AP is on the minus strand). VCF-style: chr21-46284780-G-T. GRCh37 (hg19) VCF-style: chr21-47704694-G-T.
Other names: c.507C>A (NM_003906.4); short protein forms S169R.
Identifiers: ClinVar variation 4105123 (VCV004105123.2).

ClinVar aggregate classification (germline): Uncertain significance. Review status: criteria provided, multiple submitters, no conflicts (2 of 4 stars). 2 submissions from 2 submitters: Uncertain significance (2). Last evaluated 2025-10-22.

Conditions:
MCM3AP-related disorder. Also called: MCM3AP-related condition.
Inborn genetic diseases. Identifiers: MedGen C0950123, MeSH D030342.

gnomAD v4.1: 7 of 1,613,562 alleles (0.00043%); highest among the groups gnomAD compares: East Asian, 0.0045%; no homozygotes.

Submissions (2):

PreventionGenetics, part of Exact Sciences
Classification: Uncertain significance for MCM3AP-related condition. Last evaluated: 2025-10-22. Review status: criteria provided, single submitter. Criteria: ACMG Guidelines, 2015. Collection method: clinical testing. Allele origin: germline.
Comment: The MCM3AP c.507C>A variant is predicted to result in the amino acid substitution p.Ser169Arg. To our knowledge, this variant has not been reported in the literature. This variant is reported in 0.020% of alleles in individuals of East Asian descent in gnomAD. At this time, the clinical significance of this variant is uncertain due to the absence of conclusive functional and genetic evidence.

Ambry Genetics
Classification: Uncertain significance for Inborn genetic diseases. Last evaluated: 2025-08-11. Review status: criteria provided, single submitter. Criteria: Ambry Variant Classification Scheme 2023. Collection method: clinical testing. Allele origin: germline.